The following is an entry in ClinVar:

ClinVar aggregate classification (germline): Likely benign. Review status: criteria provided, multiple submitters, no conflicts (2 of 4 stars). 2 submissions from 2 submitters: Likely benign (2). Last evaluated 2026-09-04.

Conditions:
LSR-related condition.

Allele frequency attached by ClinVar (database versions not stated): 1000 Genomes Project 0.00120; 1000 Genomes Project 30x 0.00125; ExAC 0.00153; ESP Exome Variant Server 0.00202; gnomAD 0.00220; TOPMed 0.00228.
gnomAD v4.1: 3,936 of 1,528,208 alleles (0.26%); highest among the groups gnomAD compares: Middle Eastern, 0.78%; 12 homozygotes.

Submissions (2):

PreventionGenetics, part of Exact Sciences
Classification: Likely benign for LSR-related condition. Last evaluated: 2026-09-04. Review status: criteria provided, single submitter. Criteria: ACMG Guidelines, 2015. Collection method: clinical testing. Allele origin: germline.
Comment: This variant is classified as likely benign based on ACMG/AMP sequence variant interpretation guidelines (Richards et al. 2015 PMID: 25741868, with internal and published modifications).

Labcorp Genetics (formerly Invitae), Labcorp
Classification: Likely benign. Last evaluated: 2026-01-20. Review status: criteria provided, single submitter. Criteria: Invitae Variant Classification Sherloc (09022015). Collection method: clinical testing. Allele origin: germline.

NM_205834.4(LSR):c.109+4C>T

Gene: LSR (lipolysis stimulated lipoprotein receptor; plus strand). Cytogenetic location: 19q13.12.
Variant type: single nucleotide variant.
Coding change: c.109+4C>T on transcript NM_205834.4 (MANE Select); 4 bases into the intron after coding-DNA position 109, C replaced by T.
Molecular consequence: intron variant.
Genome position (GRCh38, 1-based): chr19:35,249,135, C>T. VCF-style: chr19-35249135-C-T. GRCh37 (hg19) VCF-style: chr19-35740038-C-T.
Other names: c.109+4C>T (NM_015925.7, NM_001260489.2, NM_205835.4 and 2 more transcripts); c.253+4C>T (NM_205834.3).
Identifiers: ClinVar variation 2041379 (VCV002041379.5), dbSNP rs149370311, ClinGen allele CA9374579.